The following is an entry in ClinVar:

NM_001283009.2(RTEL1):c.3419A>G (p.Tyr1140Cys)

Genes: RTEL1-TNFRSF6B (RTEL1-TNFRSF6B readthrough (NMD candidate); plus strand), RTEL1 (regulator of telomere elongation helicase 1; plus strand). Cytogenetic location: 20q13.33.
Variant type: single nucleotide variant.
Coding change: c.3419A>G on transcript NM_001283009.2 (MANE Select); coding-DNA position 3419, A replaced by G.
Protein change: p.Tyr1140Cys; replaces tyrosine 1140 with cysteine.
Molecular consequence: missense variant. On other transcripts: non-coding transcript variant (1).
Genome position (GRCh38, 1-based): chr20:63,695,141, A>G. VCF-style: chr20-63695141-A-G. GRCh37 (hg19) VCF-style: chr20-62326494-A-G.
Other names: c.2750A>G, p.Tyr917Cys (NM_001283010.1); c.3419A>G, p.Tyr1140Cys (NM_016434.4); c.3491A>G, p.Tyr1164Cys (NM_032957.5); c.3491A>G (NM_032957.4); short protein forms Y1140C, Y1164C, Y917C.
Identifiers: ClinVar variation 1009940 (VCV001009940.7), dbSNP rs200622914, ClinGen allele CA409685392.

ClinVar aggregate classification (germline): Uncertain significance. Review status: criteria provided, multiple submitters, no conflicts (2 of 4 stars). 4 submissions from 4 submitters: Uncertain significance (2). 2 of the submissions do not count toward it. Last evaluated 2025-07-08.

Conditions:
RTEL1-related disorder. Also called: RTEL1-related disorders; RTEL1-related condition.
Dyskeratosis congenita, autosomal recessive 5 (DKCB5). Identifiers: MedGen C3554656, MONDO:0014076, OMIM 615190.
Pulmonary fibrosis and/or bone marrow failure, Telomere-related, 3. Also called: PULMONARY FIBROSIS AND/OR BONE MARROW FAILURE SYNDROME, TELOMERE-RELATED, 3. Identifiers: Orphanet 2032, MedGen C4225346, MONDO:0014613, OMIM 616373.
Inborn genetic diseases. Identifiers: MedGen C0950123, MeSH D030342.
Dyskeratosis congenita. Identifiers: Orphanet 1775, MedGen C0265965, MONDO:0015780.

Allele frequency attached by ClinVar (database versions not stated): TOPMed 0.00002.
gnomAD v4.1: 8 of 1,612,062 alleles (0.0005%); highest among the groups gnomAD compares: South Asian, 0.0011%; no homozygotes.

Submissions (4):

Labcorp Genetics (formerly Invitae), Labcorp
Classification: Uncertain significance for Dyskeratosis congenita, autosomal recessive 5; Pulmonary fibrosis and/or bone marrow failure, Telomere-related, 3. Last evaluated: 2025-07-08. Review status: criteria provided, single submitter. Criteria: Invitae Variant Classification Sherloc (09022015). Collection method: clinical testing. Allele origin: germline.
Comment: This sequence change replaces tyrosine, which is neutral and polar, with cysteine, which is neutral and slightly polar, at codon 1140 of the RTEL1 protein (p.Tyr1140Cys). This variant is not present in population databases (gnomAD no frequency). This variant has not been reported in the literature in individuals affected with RTEL1-related conditions. ClinVar contains an entry for this variant (Variation ID: 1009940). An algorithm developed to predict the effect of missense changes on protein structure and function (PolyPhen-2) suggests that this variant is likely to be tolerated. In summary, the available evidence is currently insufficient to determine the role of this variant in disease. Therefore, it has been classified as a Variant of Uncertain Significance.

Ambry Genetics
Classification: Uncertain significance for Inborn genetic diseases. Last evaluated: 2024-01-27. Review status: criteria provided, single submitter. Criteria: Ambry Variant Classification Scheme 2023. Collection method: clinical testing. Allele origin: germline.
Comment: The p.Y1164C variant (also known as c.3491A>G), located in coding exon 32 of the RTEL1 gene, results from an A to G substitution at nucleotide position 3491. The tyrosine at codon 1164 is replaced by cysteine, an amino acid with highly dissimilar properties. This amino acid position is conserved. In addition, this alteration is predicted to be tolerated by in silico analysis. Based on the available evidence, the clinical significance of this alteration remains unclear.

PreventionGenetics, part of Exact Sciences
Classification: Uncertain significance for RTEL1-related condition. Last evaluated: 2024-03-28. Review status: no assertion criteria provided. Collection method: clinical testing. Allele origin: germline. Not counted in ClinVar's aggregate classification.
Comment: The RTEL1 c.3491A>G variant is predicted to result in the amino acid substitution p.Tyr1164Cys. To our knowledge, this variant has not been reported in the literature or in a large population database, indicating this variant is rare. At this time, the clinical significance of this variant is uncertain due to the absence of conclusive functional and genetic evidence.

Natera, Inc.
Classification: Uncertain significance for Dyskeratosis congenita. Last evaluated: 2021-09-08. Review status: no assertion criteria provided. Collection method: clinical testing. Allele origin: germline. Not counted in ClinVar's aggregate classification.